The following is an entry in ClinVar:

NM_014639.4(SKIC3):c.2515+1G>A

Gene: SKIC3 (SKI3 subunit of superkiller complex; minus strand). Cytogenetic location: 5q15.
Variant type: single nucleotide variant.
Coding change: c.2515+1G>A on transcript NM_014639.4 (MANE Select); the canonical splice donor site of the intron after coding-DNA position 2515, G replaced by A.
Molecular consequence: splice donor variant.
Genome position (GRCh38, 1-based): chr5:95,516,671, C>T on the plus strand (G>A on the coding strand, the complement: SKIC3 is on the minus strand). VCF-style: chr5-95516671-C-T. GRCh37 (hg19) VCF-style: chr5-94852375-C-T.
Identifiers: ClinVar variation 2840909 (VCV002840909.3), dbSNP rs1060499528, ClinGen allele CA360457961.
Genomic context (GRCh38, chr5:95,516,671, plus strand): 5'-ACTGAACTTTGTTTGAAATACACAATCTTCTAAAAATATTGAAGTGTTACTCAATTCTCA[C>T]CACTGTAACATGCAACCACACCAAGAGCATTCCAGTATAAGTGATTATTACTGTCGAGTC-3'

ClinVar aggregate classification (germline): Likely pathogenic (1 of 4 stars; one submission).

Submission:

Labcorp Genetics (formerly Invitae), Labcorp
Classification: Likely pathogenic. Last evaluated: 2023-09-09. Review status: criteria provided, single submitter. Criteria: Invitae Variant Classification Sherloc (09022015). Collection method: clinical testing. Allele origin: germline.
Comment: Studies have shown that disruption of this splice site results in skipping of exon 23 and introduces a premature termination codon (PMID: 21120949, 29868001). The resulting mRNA is expected to undergo nonsense-mediated decay. This sequence change affects a donor splice site in intron 23 of the TTC37 gene. RNA analysis indicates that disruption of this splice site induces altered splicing and may result in an absent or disrupted protein product. This variant is not present in population databases (gnomAD no frequency). Disruption of this splice site has been observed in individual(s) with clinical features of trichohepatoenteric syndrome (PMID: 21120949, 29868001). In summary, the currently available evidence indicates that the variant is pathogenic, but additional data are needed to prove that conclusively. Therefore, this variant has been classified as Likely Pathogenic.

Literature cited by the submitters: PubMed 21120949; PubMed 29868001.